The following is an entry in ClinVar:

NM_001378120.1(MBD5):c.577G>C (p.Glu193Gln)

Gene: MBD5 (methyl-CpG binding domain protein 5; plus strand). Cytogenetic location: 2q23.1.
Variant type: single nucleotide variant.
Coding change: c.577G>C on transcript NM_001378120.1 (MANE Select); coding-DNA position 577, G replaced by C.
Protein change: p.Glu193Gln; replaces glutamic acid 193 with glutamine.
Molecular consequence: missense variant.
Genome position (GRCh38, 1-based): chr2:148,468,520, G>C. VCF-style: chr2-148468520-G-C. GRCh37 (hg19) VCF-style: chr2-149226089-G-C.
Other names: c.577G>C, p.Glu193Gln (NM_018328.5); short protein forms E193Q.
Identifiers: ClinVar variation 2153093 (VCV002153093.4), dbSNP rs2469855426, ClinGen allele CA348717105.
Genomic context (GRCh38, chr2:148,468,520, plus strand): 5'-GGATCATCAAATGCCATGGGAAGGCTATATGTACAAGAACTGCCTGGAAGCCAACAACAA[G>C]AACTCCACCCTGTCTACCCCCGACAGAGATTGGGCAGCAGTGAACATGGACAGAAATCTC-3'
Protein context (NP_001365049.1, residues 183-203): VQELPGSQQQ[Glu193Gln]LHPVYPRQRL

ClinVar aggregate classification (germline): Uncertain significance (1 of 4 stars; one submission).

Conditions:
Intellectual developmental disorder, autosomal dominant 1. Also called: Intellectual disability, autosomal dominant 1; MBD5 Haploinsufficiency. Identifiers: Orphanet 228402, MedGen C1969562, MONDO:0007974, OMIM 156200.

Submission:

Labcorp Genetics (formerly Invitae), Labcorp
Classification: Uncertain significance for Intellectual developmental disorder, autosomal dominant 1. Last evaluated: 2024-02-05. Review status: criteria provided, single submitter. Criteria: Invitae Variant Classification Sherloc (09022015). Collection method: clinical testing. Allele origin: germline.
Comment: This sequence change replaces glutamic acid, which is acidic and polar, with glutamine, which is neutral and polar, at codon 193 of the MBD5 protein (p.Glu193Gln). This variant is not present in population databases (gnomAD no frequency). This variant has not been reported in the literature in individuals affected with MBD5-related conditions. ClinVar contains an entry for this variant (Variation ID: 2153093). Advanced modeling of protein sequence and biophysical properties (such as structural, functional, and spatial information, amino acid conservation, physicochemical variation, residue mobility, and thermodynamic stability) performed at Invitae indicates that this missense variant is not expected to disrupt MBD5 protein function with a negative predictive value of 80%. In summary, the available evidence is currently insufficient to determine the role of this variant in disease. Therefore, it has been classified as a Variant of Uncertain Significance.